The following is an entry in ClinVar:

NM_001267550.2(TTN):c.16959T>C (p.Asp5653=)

Genes: TTN (titin; minus strand), LOC126806431 (CDK7 strongly-dependent group 2 enhancer GRCh37_chr2:179595719-179596918; plus strand). Cytogenetic location: 2q31.2.
Variant type: single nucleotide variant.
Coding change: c.16959T>C on transcript NM_001267550.2 (MANE Select); coding-DNA position 16959, T replaced by C.
Protein change: p.Asp5653=; no amino-acid change (aspartic acid 5653 retained).
Molecular consequence: synonymous variant. On other transcripts: intron variant (3).
Genome position (GRCh38, 1-based): chr2:178,731,916, A>G on the plus strand (T>C on the coding strand, the complement: TTN is on the minus strand). VCF-style: chr2-178731916-A-G. GRCh37 (hg19) VCF-style: chr2-179596643-A-G.
Other names: c.16008T>C, p.Asp5336= (NM_001256850.1); c.13227T>C, p.Asp4409= (NM_133378.4); c.13282+6166T>C (NM_003319.4); c.13858+6166T>C (NM_133437.4); c.13657+6166T>C (NM_133432.3).
Identifiers: ClinVar variation 391173 (VCV000391173.16), dbSNP rs770260995, ClinGen allele CA2001936.

ClinVar aggregate classification (germline): Conflicting classifications of pathogenicity. Review status: criteria provided, conflicting classifications (1 of 4 stars). 4 submissions from 4 submitters: Uncertain significance (2); Likely benign (2). Last evaluated 2026-01-18.

Conditions:
Autosomal recessive limb-girdle muscular dystrophy type 2J (LGMDR10). Also called: Limb-girdle muscular dystrophy, type 2J; MUSCULAR DYSTROPHY, LIMB-GIRDLE, AUTOSOMAL RECESSIVE 10. Identifiers: Orphanet 140922, MedGen C1837342, MONDO:0012127, OMIM 608807.
Dilated cardiomyopathy 1G (CMD1G). Identifiers: Orphanet 154, MedGen C1858763, MONDO:0011400, OMIM 604145.

Allele frequency attached by ClinVar (database versions not stated): gnomAD exomes 0.00001 and 0.00008; gnomAD 0.00002 and 0.00003; TOPMed 0.00002; ExAC 0.00001.
gnomAD v4.1: 118 of 1,613,562 alleles (0.0073%); highest among the groups gnomAD compares: Non-Finnish European, 0.01%; no homozygotes.

Submissions (4):

Labcorp Genetics (formerly Invitae), Labcorp
Classification: Likely benign for Dilated cardiomyopathy 1G; Autosomal recessive limb-girdle muscular dystrophy type 2J. Last evaluated: 2026-01-18. Review status: criteria provided, single submitter. Criteria: Invitae Variant Classification Sherloc (09022015). Collection method: clinical testing. Allele origin: germline.

Revvity Omics, Revvity
Classification: Uncertain significance. Last evaluated: 2022-04-28. Review status: criteria provided, single submitter. Criteria: ACMG Guidelines, 2015. Collection method: clinical testing. Allele origin: germline.

Eurofins Ntd Llc (ga)
Classification: Uncertain significance. Last evaluated: 2018-03-29. Review status: criteria provided, single submitter. Criteria: EGL ClinVar v180209 classification definitions. Collection method: clinical testing. Allele origin: germline. Observed: 1 variant allele, 1 heterozygote.

GeneDx
Classification: Likely benign. Last evaluated: 2016-11-30. Review status: criteria provided, single submitter. Criteria: GeneDx Variant Classification (06012015). Collection method: clinical testing. Allele origin: germline. Affected: yes.
Comment: This variant is considered likely benign or benign based on one or more of the following criteria: it is a conservative change, it occurs at a poorly conserved position in the protein, it is predicted to be benign by multiple in silico algorithms, and/or has population frequency not consistent with disease.